The following is an entry in ClinVar:

NM_182914.3(SYNE2):c.16305G>A (p.Leu5435=)

Gene: SYNE2 (spectrin repeat containing nuclear envelope protein 2; plus strand). Cytogenetic location: 14q23.2.
Variant type: single nucleotide variant.
Coding change: c.16305G>A on transcript NM_182914.3 (MANE Select); coding-DNA position 16305, G replaced by A.
Protein change: p.Leu5435=; no amino-acid change (leucine 5435 retained).
Molecular consequence: synonymous variant.
Genome position (GRCh38, 1-based): chr14:64,163,407, G>A. VCF-style: chr14-64163407-G-A. GRCh37 (hg19) VCF-style: chr14-64630125-G-A.
Other names: c.16305G>A, p.Leu5435= (NM_015180.6).
Identifiers: ClinVar variation 130482 (VCV000130482.21), dbSNP rs116758464, ClinGen allele CA155551.

ClinVar aggregate classification (germline): Benign. Review status: criteria provided, multiple submitters, no conflicts (2 of 4 stars). 5 submissions from 5 submitters: Benign (4). 1 of the submissions does not count toward it. Last evaluated 2026-01-27.

Conditions:
Emery-Dreifuss muscular dystrophy 5, autosomal dominant (EDMD5). Also called: EMERY-DREIFUSS MUSCULAR DYSTROPHY 5. Identifiers: Orphanet 261, MedGen C2751805, MONDO:0013072, OMIM 612999.

Allele frequency attached by ClinVar (database versions not stated): gnomAD 0.00817 and 0.00756; gnomAD exomes 0.00069 and 0.00189; ExAC 0.00236; 1000 Genomes Project 0.00659; ESP Exome Variant Server 0.00753; TOPMed 0.00821; 1000 Genomes Project 30x 0.00859.
gnomAD v4.1: 2,214 of 1,613,870 alleles (0.14%); highest among the groups gnomAD compares: African/African-American, 2.5%; 30 homozygotes.

Submissions (5):

Labcorp Genetics (formerly Invitae), Labcorp
Classification: Benign for Emery-Dreifuss muscular dystrophy 5, autosomal dominant. Last evaluated: 2026-01-27. Review status: criteria provided, single submitter. Criteria: Invitae Variant Classification Sherloc (09022015). Collection method: clinical testing. Allele origin: germline.

Athena Diagnostics
Classification: Benign. Last evaluated: 2018-12-03. Review status: criteria provided, single submitter. Criteria: Athena Diagnostics Criteria. Collection method: clinical testing. Allele origin: germline.

Illumina Laboratory Services, Illumina
Classification: Benign for Emery-Dreifuss muscular dystrophy 5, autosomal dominant. Last evaluated: 2018-01-13. Review status: criteria provided, single submitter. Criteria: ICSL Variant Classification Criteria 13 December 2019. Collection method: clinical testing. Allele origin: germline.
Comment: This variant was observed in the ICSL laboratory as part of a predisposition screen in an ostensibly healthy population. It had not been previously curated by ICSL or reported in the Human Gene Mutation Database (HGMD: prior to June 1st, 2018), and was therefore a candidate for classification through an automated scoring system. Utilizing variant allele frequency, disease prevalence and penetrance estimates, and inheritance mode, an automated score was calculated to assess if this variant is too frequent to cause the disease. Based on the score and internal cut-off values, a variant classified as benign is not then subjected to further curation. The score for this variant resulted in a classification of benign for this disease.

Breakthrough Genomics
Classification: Benign. Review status: criteria provided, single submitter. Criteria: ACMG Guidelines, 2015. Collection method: not provided. Allele origin: germline. Inheritance: Autosomal dominant inheritance. Affected: yes.

Genetic Services Laboratory, University of Chicago
Classification: Likely benign for AllHighlyPenetrant. Review status: no assertion criteria provided. Collection method: clinical testing. Allele origin: germline. Inheritance: Autosomal dominant inheritance. Not counted in ClinVar's aggregate classification.
Comment: Likely benign based on allele frequency in 1000 Genomes Project or ESP global frequency and its presence in a patient with a rare or unrelated disease phenotype. NOT Sanger confirmed.